The following is an entry in ClinVar:

ClinVar aggregate classification (germline): Uncertain significance (1 of 4 stars; one submission).

Conditions:
Inborn genetic diseases. Identifiers: MedGen C0950123, MeSH D030342.

Submission:

Ambry Genetics
Classification: Uncertain significance for Inborn genetic diseases. Last evaluated: 2022-06-07. Review status: criteria provided, single submitter. Criteria: Ambry Variant Classification Scheme 2023. Collection method: clinical testing. Allele origin: germline.
Comment: The p.A1682V variant (also known as c.5045C>T), located in coding exon 29 of the ATR gene, results from a C to T substitution at nucleotide position 5045. The alanine at codon 1682 is replaced by valine, an amino acid with similar properties. This amino acid position is conserved. In addition, the in silico prediction for this alteration is inconclusive. Since supporting evidence is limited at this time, the clinical significance of this alteration remains unclear.

NM_001184.4(ATR):c.5045C>T (p.Ala1682Val)

Gene: ATR (ATR checkpoint kinase; minus strand). Cytogenetic location: 3q23.
Variant type: single nucleotide variant.
Coding change: c.5045C>T on transcript NM_001184.4 (MANE Select); coding-DNA position 5045, C replaced by T.
Protein change: p.Ala1682Val; replaces alanine 1682 with valine.
Molecular consequence: missense variant.
Genome position (GRCh38, 1-based): chr3:142,505,290, G>A on the plus strand (C>T on the coding strand, the complement: ATR is on the minus strand). VCF-style: chr3-142505290-G-A. GRCh37 (hg19) VCF-style: chr3-142224132-G-A.
Other names: c.4853C>T, p.Ala1618Val (NM_001354579.2); short protein forms A1618V, A1682V.
Identifiers: ClinVar variation 1744972 (VCV001744972.2), dbSNP rs2108356157, ClinGen allele CA354820157.